The following is an entry in ClinVar:

ClinVar aggregate classification (germline): Conflicting classifications of pathogenicity. Review status: criteria provided, conflicting classifications (1 of 4 stars). 2 submissions from 2 submitters: Pathogenic (1); Uncertain significance (1). Last evaluated 2025-07-11.

Conditions:
Very long chain acyl-CoA dehydrogenase deficiency (ACADVLD). Also called: Very Long-Chain Acyl-Coenzyme A Dehydrogenase Deficiency; VLCAD Deficiency. Identifiers: Orphanet 26793, MedGen C3887523, MONDO:0008723, OMIM 201475.

Submissions (2):

Women's Health and Genetics/Laboratory Corporation of America, LabCorp
Classification: Uncertain significance. Last evaluated: 2025-07-11. Review status: criteria provided, single submitter. Criteria: LabCorp Variant Classification Summary - May 2015. Collection method: clinical testing. Allele origin: germline.
Comment: Variant summary: ACADVL c.294G>T (p.Gln98His) results in a non-conservative amino acid change in the encoded protein sequence. Algorithms developed to predict the effect of missense changes on protein structure and function all suggest that this variant is likely to be disruptive. The variant was absent in 251466 control chromosomes. c.294G>T has been observed in individuals affected with Very Long Chain Acyl-CoA Dehydrogenase Deficiency (LCG internal data). These data indicate that the variant may be associated with disease. To our knowledge, no experimental evidence demonstrating an impact on protein function has been reported. ClinVar contains an entry for this variant (Variation ID: 1009183). Based on the evidence outlined above, the variant was classified as VUS-possibly pathogenic.

Labcorp Genetics (formerly Invitae), Labcorp
Classification: Pathogenic for Very long chain acyl-CoA dehydrogenase deficiency. Last evaluated: 2024-03-21. Review status: criteria provided, single submitter. Criteria: Invitae Variant Classification Sherloc (09022015). Collection method: clinical testing. Allele origin: germline.
Comment: This sequence change replaces glutamine, which is neutral and polar, with histidine, which is basic and polar, at codon 98 of the ACADVL protein (p.Gln98His). This variant is not present in population databases (gnomAD no frequency). This missense change has been observed in individual(s) with clinical features of ACADVL-related disease and/or clinical features of very long-chain acyl-CoA dehydrogenase deficiency (Invitae). In at least one individual the data is consistent with being in trans (on the opposite chromosome) from a pathogenic variant. ClinVar contains an entry for this variant (Variation ID: 1009183). Advanced modeling of protein sequence and biophysical properties (such as structural, functional, and spatial information, amino acid conservation, physicochemical variation, residue mobility, and thermodynamic stability) performed at Invitae indicates that this missense variant is expected to disrupt ACADVL protein function with a positive predictive value of 95%. For these reasons, this variant has been classified as Pathogenic.

NM_000018.4(ACADVL):c.294G>T (p.Gln98His)

Gene: ACADVL (acyl-CoA dehydrogenase very long chain; plus strand). Cytogenetic location: 17p13.1.
Variant type: single nucleotide variant.
Coding change: c.294G>T on transcript NM_000018.4 (MANE Select); coding-DNA position 294, G replaced by T.
Protein change: p.Gln98His; replaces glutamine 98 with histidine.
Molecular consequence: missense variant.
Genome position (GRCh38, 1-based): chr17:7,220,782, G>T. VCF-style: chr17-7220782-G-T. GRCh37 (hg19) VCF-style: chr17-7124101-G-T.
Other names: c.228G>T, p.Gln76His (NM_001033859.3); c.363G>T, p.Gln121His (NM_001270447.2); c.66G>T, p.Gln22His (NM_001270448.2); short protein forms Q121H, Q22H, Q76H, Q98H.
Identifiers: ClinVar variation 1009183 (VCV001009183.10), dbSNP rs794727695, ClinGen allele CA397722524.